The following is an entry in ClinVar:

NM_003482.4(KMT2D):c.8856C>A (p.Thr2952=)

Gene: KMT2D (lysine methyltransferase 2D; minus strand). Cytogenetic location: 12q13.12.
Variant type: single nucleotide variant.
Coding change: c.8856C>A on transcript NM_003482.4 (MANE Select); coding-DNA position 8856, C replaced by A.
Protein change: p.Thr2952=; no amino-acid change (threonine 2952 retained).
Molecular consequence: synonymous variant.
Genome position (GRCh38, 1-based): chr12:49,038,500, G>T on the plus strand (C>A on the coding strand, the complement: KMT2D is on the minus strand). VCF-style: chr12-49038500-G-T. GRCh37 (hg19) VCF-style: chr12-49432283-G-T.
Identifiers: ClinVar variation 3029664 (VCV003029664.2), dbSNP rs2498387358, ClinGen allele CA479710933.

ClinVar aggregate classification (germline): Likely benign (0 of 4 stars; one submission).

Conditions:
KMT2D-related disorder. Also called: KMT2D-Related Disorders.

Submission:

PreventionGenetics, part of Exact Sciences
Classification: Likely benign for KMT2D-related condition. Last evaluated: 2021-05-11. Review status: no assertion criteria provided. Collection method: clinical testing. Allele origin: germline.
Comment: This variant is classified as likely benign based on ACMG/AMP sequence variant interpretation guidelines (Richards et al. 2015 PMID: 25741868, with internal and published modifications).